The following is an entry in ClinVar:

NM_006031.6(PCNT):c.7588A>G (p.Met2530Val)

Gene: PCNT (pericentrin; plus strand). Cytogenetic location: 21q22.3.
Variant type: single nucleotide variant.
Coding change: c.7588A>G on transcript NM_006031.6 (MANE Select); coding-DNA position 7588, A replaced by G.
Protein change: p.Met2530Val; replaces methionine 2530 with valine.
Molecular consequence: missense variant.
Genome position (GRCh38, 1-based): chr21:46,428,488, A>G. VCF-style: chr21-46428488-A-G. GRCh37 (hg19) VCF-style: chr21-47848402-A-G.
Other names: c.7234A>G, p.Met2412Val (NM_001315529.2); short protein forms M2412V, M2530V.
Identifiers: ClinVar variation 897706 (VCV000897706.5), dbSNP rs749686283, ClinGen allele CA10080719.

ClinVar aggregate classification (germline): Uncertain significance. Review status: criteria provided, multiple submitters, no conflicts (2 of 4 stars). 2 submissions from 2 submitters: Uncertain significance (2). Last evaluated 2025-06-03.

Conditions:
PCNT-related disorder. Also called: PCNT-related condition.
Microcephalic osteodysplastic primordial dwarfism type II (MOPD2). Also called: Microcephalic osteodysplastic primordial dwarfism with tooth abnormalities; MOPD II; OSTEODYSPLASTIC PRIMORDIAL DWARFISM, TYPE II. Identifiers: Orphanet 2637, MedGen C0432246, MONDO:0008872, OMIM 210720.

Allele frequency attached by ClinVar (database versions not stated): gnomAD exomes 0.00001; ExAC 0.00002; TOPMed 0.00002.
gnomAD v4.1: 14 of 1,612,340 alleles (0.00087%); highest among the groups gnomAD compares: African/African-American, 0.0013%; no homozygotes.

Submissions (2):

PreventionGenetics, part of Exact Sciences
Classification: Uncertain significance for PCNT-related condition. Last evaluated: 2025-06-03. Review status: criteria provided, single submitter. Criteria: ACMG Guidelines, 2015. Collection method: clinical testing. Allele origin: germline.
Comment: The PCNT c.7588A>G variant is predicted to result in the amino acid substitution p.Met2530Val. To our knowledge, this variant has not been reported in the literature. This variant is reported in 0.0033% of alleles in individuals of South Asian descent in gnomAD. At this time, the clinical significance of this variant is uncertain due to the absence of conclusive functional and genetic evidence.

Illumina Laboratory Services, Illumina
Classification: Uncertain significance for Microcephalic osteodysplastic primordial dwarfism type II. Last evaluated: 2018-01-13. Review status: criteria provided, single submitter. Criteria: ICSL Variant Classification Criteria 13 December 2019. Collection method: clinical testing. Allele origin: germline.